The following is an entry in ClinVar:

NM_145290.4(ADGRA3):c.2807T>C (p.Leu936Pro)

Gene: ADGRA3 (adhesion G protein-coupled receptor A3; minus strand). Cytogenetic location: 4p15.2.
Variant type: single nucleotide variant.
Coding change: c.2807T>C on transcript NM_145290.4 (MANE Select); coding-DNA position 2807, T replaced by C.
Protein change: p.Leu936Pro; replaces leucine 936 with proline.
Molecular consequence: missense variant.
Genome position (GRCh38, 1-based): chr4:22,388,864, A>G on the plus strand (T>C on the coding strand, the complement: ADGRA3 is on the minus strand). VCF-style: chr4-22388864-A-G. GRCh37 (hg19) VCF-style: chr4-22390487-A-G.
Other names: short protein forms L936P.
Identifiers: ClinVar variation 2111269 (VCV002111269.4), dbSNP rs2474688292, ClinGen allele CA356474811.
Genomic context (GRCh38, chr4:22,388,864, plus strand): 5'-GTGGGCTCCTTAAGCTCATATTTGCGCTCAGGGTGTCTTTTCAACTGAATAAATATGCTC[A>G]GAAAGTACATGCAGTTTACAAAAGTGATGAAGCTGGCTGGCCCATAGAAGGCTCCCAAGG-3'
Protein context (NP_660333.2, residues 926-946): FITFVNCMYF[Leu936Pro]SIFIQLKRHP

ClinVar aggregate classification (germline): Uncertain significance (1 of 4 stars; one submission).

Submission:

Labcorp Genetics (formerly Invitae), Labcorp
Classification: Uncertain significance. Last evaluated: 2022-03-13. Review status: criteria provided, single submitter. Criteria: Invitae Variant Classification Sherloc (09022015). Collection method: clinical testing. Allele origin: germline.
Comment: This sequence change replaces leucine, which is neutral and non-polar, with proline, which is neutral and non-polar, at codon 936 of the ADGRA3 protein (p.Leu936Pro). This variant is not present in population databases (gnomAD no frequency). This variant has not been reported in the literature in individuals affected with ADGRA3-related conditions. Algorithms developed to predict the effect of missense changes on protein structure and function (SIFT, PolyPhen-2, Align-GVGD) all suggest that this variant is likely to be disruptive. In summary, the available evidence is currently insufficient to determine the role of this variant in disease. Therefore, it has been classified as a Variant of Uncertain Significance.